The following is an entry in ClinVar:

ClinVar aggregate classification (germline): Uncertain significance. Review status: criteria provided, multiple submitters, no conflicts (2 of 4 stars). 2 submissions from 2 submitters: Uncertain significance (2). Last evaluated 2025-07-02.

Conditions:
Cardiovascular phenotype. Identifiers: MedGen CN230736.
Danon disease. Also called: PSEUDOGLYCOGENOSIS II; GSD IIb; LYSOSOMAL GLYCOGEN STORAGE DISEASE WITHOUT ACID MALTASE DEFICIENCY; Glycogen Storage Disease Type IIb; ANTOPOL DISEASE. Identifiers: Orphanet 34587, MedGen C0878677, MONDO:0010281, OMIM 300257.

gnomAD v4.1: 2 of 1,208,420 alleles (0.00017%); highest among the groups gnomAD compares: African/African-American, 0.0035%; no homozygotes.

Submissions (2):

Labcorp Genetics (formerly Invitae), Labcorp
Classification: Uncertain significance for Danon disease. Last evaluated: 2025-07-02. Review status: criteria provided, single submitter. Criteria: Invitae Variant Classification Sherloc (09022015). Collection method: clinical testing. Allele origin: germline.
Comment: This sequence change replaces alanine, which is neutral and non-polar, with threonine, which is neutral and polar, at codon 106 of the LAMP2 protein (p.Ala106Thr). This variant is not present in population databases (gnomAD no frequency). This variant has not been reported in the literature in individuals affected with LAMP2-related conditions. ClinVar contains an entry for this variant (Variation ID: 1057963). Invitae Evidence Modeling of protein sequence and biophysical properties (such as structural, functional, and spatial information, amino acid conservation, physicochemical variation, residue mobility, and thermodynamic stability) indicates that this missense variant is not expected to disrupt LAMP2 protein function with a negative predictive value of 80%. In summary, the available evidence is currently insufficient to determine the role of this variant in disease. Therefore, it has been classified as a Variant of Uncertain Significance.

Ambry Genetics
Classification: Uncertain significance for Cardiovascular phenotype. Last evaluated: 2021-10-12. Review status: criteria provided, single submitter. Criteria: Ambry Variant Classification Scheme 2023. Collection method: clinical testing. Allele origin: germline.
Comment: The p.A106T variant (also known as c.316G>A), located in coding exon 3 of the LAMP2 gene, results from a G to A substitution at nucleotide position 316. The alanine at codon 106 is replaced by threonine, an amino acid with similar properties. This amino acid position is poorly conserved in available vertebrate species. In addition, this alteration is predicted to be tolerated by in silico analysis. Since supporting evidence is limited at this time, the clinical significance of this alteration remains unclear.

NM_002294.3(LAMP2):c.316G>A (p.Ala106Thr)

Gene: LAMP2 (lysosome associated membrane protein 2; minus strand). Cytogenetic location: Xq24.
Variant type: single nucleotide variant.
Coding change: c.316G>A on transcript NM_002294.3 (MANE Select); coding-DNA position 316, G replaced by A.
Protein change: p.Ala106Thr; replaces alanine 106 with threonine.
Molecular consequence: missense variant.
Genome position (GRCh38, 1-based): chrX:120,455,438, C>T on the plus strand (G>A on the coding strand, the complement: LAMP2 is on the minus strand). VCF-style: chrX-120455438-C-T. GRCh37 (hg19) VCF-style: chrX-119589293-C-T.
Other names: c.316G>A, p.Ala106Thr (NM_001122606.1, NM_013995.2); short protein forms A106T.
Identifiers: ClinVar variation 1057963 (VCV001057963.11), dbSNP rs1305798857, ClinGen allele CA414403039.